The following is an entry in ClinVar:

ClinVar aggregate classification (germline): Uncertain significance. Review status: criteria provided, multiple submitters, no conflicts (2 of 4 stars). 5 submissions from 5 submitters: Uncertain significance (4). 1 of the submissions does not count toward it. Last evaluated 2025-09-28.

Conditions:
BBS2-related disorder. Also called: BBS2-related condition; BBS2-related disorders. Identifiers: MedGen CN239228.
Inborn genetic diseases. Identifiers: MedGen C0950123, MeSH D030342.
Bardet-Biedl syndrome (BBS). Identifiers: Orphanet 110, MedGen C0752166, MONDO:0015229.
Bardet-Biedl syndrome 2 (BBS2). Identifiers: Orphanet 110, MedGen C2936863, MONDO:0014432, OMIM 615981.
Retinitis pigmentosa 74 (RP74). Identifiers: Orphanet 791, MedGen C4225281, MONDO:0014692, OMIM 616562.

Allele frequency attached by ClinVar (database versions not stated): ExAC 0.00001; gnomAD exomes 0.00001; ESP Exome Variant Server 0.00008; gnomAD 0.00015; TOPMed 0.00017.
gnomAD v4.1: 35 of 1,614,056 alleles (0.0022%); highest among the groups gnomAD compares: African/African-American, 0.047%; no homozygotes.

Submissions (5):

Ambry Genetics
Classification: Uncertain significance for Inborn genetic diseases. Last evaluated: 2025-09-28. Review status: criteria provided, single submitter. Criteria: Ambry Variant Classification Scheme 2023. Collection method: clinical testing. Allele origin: germline.

Labcorp Genetics (formerly Invitae), Labcorp
Classification: Uncertain significance for Bardet-Biedl syndrome. Last evaluated: 2024-10-21. Review status: criteria provided, single submitter. Criteria: Invitae Variant Classification Sherloc (09022015). Collection method: clinical testing. Allele origin: germline.
Comment: This sequence change replaces valine, which is neutral and non-polar, with alanine, which is neutral and non-polar, at codon 293 of the BBS2 protein (p.Val293Ala). This variant is present in population databases (rs370443952, gnomAD 0.05%). This variant has not been reported in the literature in individuals affected with BBS2-related conditions. ClinVar contains an entry for this variant (Variation ID: 2153124). Invitae Evidence Modeling of protein sequence and biophysical properties (such as structural, functional, and spatial information, amino acid conservation, physicochemical variation, residue mobility, and thermodynamic stability) indicates that this missense variant is not expected to disrupt BBS2 protein function with a negative predictive value of 80%. In summary, the available evidence is currently insufficient to determine the role of this variant in disease. Therefore, it has been classified as a Variant of Uncertain Significance.

Fulgent Genetics
Classification: Uncertain significance for Bardet-Biedl syndrome 2; Retinitis pigmentosa 74. Last evaluated: 2024-05-15. Review status: criteria provided, single submitter. Criteria: ACMG Guidelines, 2015. Collection method: clinical testing. Allele origin: germline.

Blueprint Genetics
Classification: Uncertain significance. Last evaluated: 2022-08-31. Review status: criteria provided, single submitter. Criteria: ACMG Guidelines, 2015. Collection method: clinical testing. Allele origin: germline.

PreventionGenetics, part of Exact Sciences
Classification: Uncertain significance for BBS2-related condition. Last evaluated: 2024-07-31. Review status: no assertion criteria provided. Collection method: clinical testing. Allele origin: germline. Not counted in ClinVar's aggregate classification.
Comment: The BBS2 c.878T>C variant is predicted to result in the amino acid substitution p.Val293Ala. To our knowledge, this variant has not been reported in the literature. This variant is reported in 0.044% of alleles in individuals of African descent in gnomAD. At this time, the clinical significance of this variant is uncertain due to the absence of conclusive functional and genetic evidence.

NM_031885.5(BBS2):c.878T>C (p.Val293Ala)

Gene: BBS2 (Bardet-Biedl syndrome 2; minus strand). Cytogenetic location: 16q13.
Variant type: single nucleotide variant.
Coding change: c.878T>C on transcript NM_031885.5 (MANE Select); coding-DNA position 878, T replaced by C.
Protein change: p.Val293Ala; replaces valine 293 with alanine.
Molecular consequence: missense variant. On other transcripts: non-coding transcript variant (5).
Genome position (GRCh38, 1-based): chr16:56,502,735, A>G on the plus strand (T>C on the coding strand, the complement: BBS2 is on the minus strand). VCF-style: chr16-56502735-A-G. GRCh37 (hg19) VCF-style: chr16-56536647-A-G.
Other names: c.878T>C (NM_031885.3); c.878T>C, p.Val293Ala (NM_001377456.1); short protein forms V293A.
Identifiers: ClinVar variation 2153124 (VCV002153124.8), dbSNP rs370443952, ClinGen allele CA8065894.